The following is an entry in ClinVar:

NM_020964.3(EPG5):c.2427del (p.Leu810fs)

Gene: EPG5 (ectopic P-granules 5 autophagy tethering factor; minus strand). Cytogenetic location: 18q21.1.
Variant type: Deletion.
Coding change: c.2427del on transcript NM_020964.3 (MANE Select); coding-DNA position 2427, one base deleted (C; older notation c.2427delC).
Protein change: p.Leu810fs; shifts the reading frame from leucine 810.
Molecular consequence: frameshift variant.
Genome position (GRCh38, 1-based): chr18:45,928,995, G deleted on the plus strand (C on the coding strand, the reverse complement: EPG5 is on the minus strand); the first of 2 consecutive G bases (chr18:45,928,995-45,928,996); deleting either gives the same sequence. VCF-style (leftmost placement, unchanged base first): chr18-45928994-AG-A. GRCh37 (hg19) VCF-style: chr18-43508960-AG-A.
Other names: short protein forms L810fs.
Identifiers: ClinVar variation 1424550 (VCV001424550.7), dbSNP rs2145807103, ClinGen allele CA2573155406.

ClinVar aggregate classification (germline): Pathogenic (1 of 4 stars; one submission).

Conditions:
Vici syndrome (VICIS). Identifiers: Orphanet 1493, MedGen C1855772, MONDO:0009452, OMIM 242840.

Submission:

Labcorp Genetics (formerly Invitae), Labcorp
Classification: Pathogenic for Vici syndrome. Last evaluated: 2021-01-01. Review status: criteria provided, single submitter. Criteria: Invitae Variant Classification Sherloc (09022015). Collection method: clinical testing. Allele origin: germline.
Comment: This sequence change creates a premature translational stop signal (p.Leu810Cysfs*15) in the EPG5 gene. It is expected to result in an absent or disrupted protein product. Loss-of-function variants in EPG5 are known to be pathogenic (PMID: 23222957, 23674064). This variant is not present in population databases (ExAC no frequency). This variant has not been reported in the literature in individuals with EPG5-related conditions. For these reasons, this variant has been classified as Pathogenic.

Literature cited by the submitters: PubMed 23222957; PubMed 23674064.